The following is an entry in ClinVar:

ClinVar aggregate classification (germline): Benign. Review status: criteria provided, multiple submitters, no conflicts (2 of 4 stars). 4 submissions from 2 submitters: Benign (4). Last evaluated 2018-01-13.

Conditions:
Paroxysmal extreme pain disorder (PEXPD). Also called: PAIN, SUBMANDIBULAR, OCULAR, AND RECTAL, WITH FLUSHING; RECTAL PAIN, FAMILIAL; SCN9A Paroxysmal Extreme Pain Disorder (SCN9A-PEPD). Identifiers: Orphanet 46348, MedGen C1833661, MONDO:0008179, OMIM 167400.
Primary erythromelalgia. Also called: SCN9A Erythromelalgia (SCN9A-EM); primary erythermalgia. Identifiers: Orphanet 306577, Orphanet 90026, MedGen C0014805, MONDO:0007571, OMIM 133020.
Channelopathy-associated congenital insensitivity to pain, autosomal recessive. Also called: Insensitivity to pain, channelopathy-associated; ASYMBOLIA FOR PAIN; CONGENITAL ANALGESIA, AUTOSOMAL RECESSIVE. Identifiers: Orphanet 88642, Orphanet 970, MedGen C1855739, MONDO:0009459, OMIM 243000.

Allele frequency attached by ClinVar (database versions not stated): TOPMed 0.00718; 1000 Genomes Project 30x 0.01702; 1000 Genomes Project 0.01817.

Submissions (4):

Illumina Laboratory Services, Illumina
Classification: Benign for Primary erythromelalgia. Last evaluated: 2018-01-13. Review status: criteria provided, single submitter. Criteria: ICSL Variant Classification Criteria 13 December 2019. Collection method: clinical testing. Allele origin: germline.
Comment: This variant was observed in the ICSL laboratory as part of a predisposition screen in an ostensibly healthy population. It had not been previously curated by ICSL or reported in the Human Gene Mutation Database (HGMD: prior to June 1st, 2018), and was therefore a candidate for classification through an automated scoring system. Utilizing variant allele frequency, disease prevalence and penetrance estimates, and inheritance mode, an automated score was calculated to assess if this variant is too frequent to cause the disease. Based on the score and internal cut-off values, a variant classified as benign is not then subjected to further curation. The score for this variant resulted in a classification of benign for this disease.

Illumina Laboratory Services, Illumina
Classification: Benign for Paroxysmal extreme pain disorder. Last evaluated: 2018-01-13. Review status: criteria provided, single submitter. Criteria: ICSL Variant Classification Criteria 13 December 2019. Collection method: clinical testing. Allele origin: germline.
Comment: the same text as in the submission from Illumina Laboratory Services, Illumina above.

Illumina Laboratory Services, Illumina
Classification: Benign for Channelopathy-associated congenital insensitivity to pain, autosomal recessive. Last evaluated: 2018-01-13. Review status: criteria provided, single submitter. Criteria: ICSL Variant Classification Criteria 13 December 2019. Collection method: clinical testing. Allele origin: germline.
Comment: the same text as in the submission from Illumina Laboratory Services, Illumina above.

Breakthrough Genomics
Classification: Benign. Review status: criteria provided, single submitter. Criteria: ACMG Guidelines, 2015. Collection method: not provided. Allele origin: germline. Inheritance: Autosomal recessive inheritance. Affected: yes.

NM_001365536.1(SCN9A):c.-290T>C

Gene: SCN9A (sodium voltage-gated channel alpha subunit 9; minus strand). Cytogenetic location: 2q24.3.
Variant type: single nucleotide variant.
Coding change: c.-290T>C on transcript NM_001365536.1 (MANE Select); 290 bases upstream of the start codon, T replaced by C.
Molecular consequence: 5 prime UTR variant.
Genome position (GRCh38, 1-based): chr2:166,375,936, A>G on the plus strand (T>C on the coding strand, the complement: SCN9A is on the minus strand). VCF-style: chr2-166375936-A-G. GRCh37 (hg19) VCF-style: chr2-167232446-A-G.
Other names: c.-290T>C (NM_002977.4).
Identifiers: ClinVar variation 332005 (VCV000332005.7), dbSNP rs148362057, ClinGen allele CA10612544.